The following is an entry in ClinVar:

ClinVar aggregate classification (germline): Pathogenic/Likely pathogenic. Review status: criteria provided, multiple submitters, no conflicts (2 of 4 stars). 2 submissions from 2 submitters: Pathogenic (1); Likely pathogenic (1). Last evaluated 2025-09-22.

Conditions:
Telangiectasia, hereditary hemorrhagic, type 2 (HHT2). Also called: ACVRL1-Related Hereditary Hemorrhagic Telangiectasia; Telangiectasia, hereditary hemorrhagic, type II. Identifiers: Orphanet 774, MedGen C1838163, MONDO:0010880, OMIM 600376. Disease mechanism: loss of function.

Submissions (2):

Variantyx, Inc.
Classification: Likely pathogenic for Telangiectasia, hereditary hemorrhagic, type 2. Last evaluated: 2025-09-22. Review status: criteria provided, single submitter. Criteria: Variantyx Assertion Criteria 2022. Collection method: clinical testing. Allele origin: germline. Inheritance: Autosomal dominant inheritance. Affected: yes.
Comment: This is a nonsynonymous variant in the ACVRL1 gene (OMIM: 601284). Pathogenic variants in this gene have been associated with autosomal dominant hereditary hemorrhagic telangiectasia, type 2. This variant has been reported in at least 2 unrelated affected individuals (PMID: 18498373, 25970827) (PS4_Moderate) ad it has been observed to segregate with disease in at least 3 individuals from one family (PMID: 18498373) (PP1). Moreover, an alternate amino acid change at this position (p.Val442Met) has been previously reported in similarly affected individuals, which suggests that this residue is biologically important (PMID:18498373, 25970827) (PM5). Multiple computational algorithms predict a deleterious effect for this variant (REVEL score: 0.644) (PP3) and the variant is absent from control populations (PM2). Based on the current evidence, this variant is classified as likely pathogenic for autosomal dominant hereditary hemorrhagic telangiectasia, type 2.

Labcorp Genetics (formerly Invitae), Labcorp
Classification: Pathogenic for Telangiectasia, hereditary hemorrhagic, type 2. Last evaluated: 2025-02-19. Review status: criteria provided, single submitter. Criteria: Invitae Variant Classification Sherloc (09022015). Collection method: clinical testing. Allele origin: germline.
Comment: This sequence change replaces valine, which is neutral and non-polar, with alanine, which is neutral and non-polar, at codon 442 of the ACVRL1 protein (p.Val442Ala). This variant is not present in population databases (gnomAD no frequency). This missense change has been observed in individuals with hereditary hemorrhagic telangiectasia (PMID: 18498373, 25970827; internal data). ClinVar contains an entry for this variant (Variation ID: 1066980). Invitae Evidence Modeling of protein sequence and biophysical properties (such as structural, functional, and spatial information, amino acid conservation, physicochemical variation, residue mobility, and thermodynamic stability) indicates that this missense variant is expected to disrupt ACVRL1 protein function with a positive predictive value of 95%. This variant disrupts the p.Val442 amino acid residue in ACVRL1. Other variant(s) that disrupt this residue have been observed in individuals with ACVRL1-related conditions (PMID: 20056902), which suggests that this may be a clinically significant amino acid residue. For these reasons, this variant has been classified as Pathogenic.

Literature cited by the submitters: PubMed 18498373 (cited by Variantyx, Inc. and Labcorp Genetics (formerly Invitae), Labcorp); PubMed 25970827 (cited by Variantyx, Inc. and Labcorp Genetics (formerly Invitae), Labcorp); PubMed 20056902 (cited by Labcorp Genetics (formerly Invitae), Labcorp).

NM_000020.3(ACVRL1):c.1325T>C (p.Val442Ala)

Gene: ACVRL1 (activin A receptor like type 1; plus strand). Cytogenetic location: 12q13.13.
Variant type: single nucleotide variant.
Coding change: c.1325T>C on transcript NM_000020.3 (MANE Select); coding-DNA position 1325, T replaced by C.
Protein change: p.Val442Ala; replaces valine 442 with alanine.
Molecular consequence: missense variant.
Genome position (GRCh38, 1-based): chr12:51,919,063, T>C. VCF-style: chr12-51919063-T-C. GRCh37 (hg19) VCF-style: chr12-52312847-T-C.
Other names: c.1325T>C, p.Val442Ala (NM_001077401.2); short protein forms V442A.
Identifiers: ClinVar variation 1066980 (VCV001066980.9), dbSNP rs2139084277, ClinGen allele CA384904137.